The following is an entry in ClinVar:

NM_004304.5(ALK):c.1161_1162dup (p.Val388fs)

Gene: ALK (ALK receptor tyrosine kinase; minus strand). Cytogenetic location: 2p23.2.
Variant type: Duplication.
Coding change: c.1161_1162dup on transcript NM_004304.5 (MANE Select); coding-DNA positions 1161 to 1162, 2 bases duplicated (AG; older notation c.1161_1162dupAG).
Protein change: p.Val388fs; shifts the reading frame from valine 388.
Molecular consequence: frameshift variant.
Genome position (GRCh38, 1-based): chr2:29,383,852-29,383,853, CT duplicated on the plus strand (AG on the coding strand, the reverse complement: ALK is on the minus strand). VCF-style (leftmost placement, unchanged base first): chr2-29383851-A-ACT. GRCh37 (hg19) VCF-style: chr2-29606717-A-ACT.
Other names: short protein forms V388fs.
Identifiers: ClinVar variation 3647332 (VCV003647332.2).
Genomic context (GRCh38, chr2:29,383,851, plus strand): 5'-GAGATGTATTCCAGGGCCACTCGAAATGGGTTGTCTGGACGCCCGATTCTTCCCTGGAGC[A>ACT]CTGTCCAACTGGTTGCATTGGAAAACAGAGGAGAAAAGCATAGAGAAACAGATATGAGAA-3'

ClinVar aggregate classification (germline): Uncertain significance (1 of 4 stars; one submission).

Conditions:
Neuroblastoma, susceptibility to, 3. Also called: ALK-Related Neuroblastic Tumor Susceptibility. Identifiers: Orphanet 635, MedGen C2751681, MONDO:0013083, OMIM 613014.

Submission:

Labcorp Genetics (formerly Invitae), Labcorp
Classification: Uncertain significance for Neuroblastoma, susceptibility to, 3. Last evaluated: 2024-03-23. Review status: criteria provided, single submitter. Criteria: Invitae Variant Classification Sherloc (09022015). Collection method: clinical testing. Allele origin: germline.
Comment: This sequence change creates a premature translational stop signal (p.Val388Glufs*36) in the ALK gene. It is expected to result in an absent or disrupted protein product. However, the current clinical and genetic evidence is not sufficient to establish whether loss-of-function variants in ALK cause disease. This variant is not present in population databases (gnomAD no frequency). This variant has not been reported in the literature in individuals affected with ALK-related conditions. In summary, the available evidence is currently insufficient to determine the role of this variant in disease. Therefore, it has been classified as a Variant of Uncertain Significance.